The following is an entry in ClinVar:

NM_001367624.2(ZNF469):c.9131C>T (p.Thr3044Met)

Gene: ZNF469 (zinc finger protein 469; plus strand). Cytogenetic location: 16q24.2.
Variant type: single nucleotide variant.
Coding change: c.9131C>T on transcript NM_001367624.2 (MANE Select); coding-DNA position 9131, C replaced by T.
Protein change: p.Thr3044Met; replaces threonine 3044 with methionine.
Molecular consequence: missense variant.
Genome position (GRCh38, 1-based): chr16:88,436,601, C>T. VCF-style: chr16-88436601-C-T. GRCh37 (hg19) VCF-style: chr16-88503009-C-T.
Other names: NM_001127464.1:c.9047C>T; short protein forms T3044M.
Identifiers: ClinVar variation 126933 (VCV000126933.15), dbSNP rs273585626, ClinGen allele CA151305.

ClinVar aggregate classification (germline): Uncertain significance. Review status: criteria provided, multiple submitters, no conflicts (2 of 4 stars). 7 submissions from 7 submitters: Uncertain significance (6). 1 of the submissions does not count toward it. Last evaluated 2026-01-14.

Conditions:
Cardiovascular phenotype. Identifiers: MedGen CN230736.
Keratoconus 1 (KTCN1). Identifiers: MedGen C1835677, MONDO:0007851, OMIM 148300.
Brittle cornea syndrome 1 (BCS1). Also called: FRAGILITAS OCULI WITH JOINT HYPEREXTENSIBILITY; DYSGENESIS MESODERMALIS CORNEAE ET SCLERAE; CORNEAL FRAGILITY, KERATOGLOBUS, BLUE SCLERAE, JOINT HYPEREXTENSIBILITY; EDS6B; Corneal fragility keratoglobus, blue sclerae AND joint hypermobility. Identifiers: Orphanet 90354, MedGen C0268344, MONDO:0024543, OMIM 229200.

Allele frequency attached by ClinVar (database versions not stated): ExAC below 0.00001; gnomAD 0.00001; gnomAD exomes 0.00004; TOPMed 0.00005.
gnomAD v4.1: 243 of 1,550,158 alleles (0.016%); highest among the groups gnomAD compares: Non-Finnish European, 0.02%; no homozygotes.

Submissions (7):

Labcorp Genetics (formerly Invitae), Labcorp
Classification: Uncertain significance. Last evaluated: 2026-01-14. Review status: criteria provided, single submitter. Criteria: Invitae Variant Classification Sherloc (09022015). Collection method: clinical testing. Allele origin: germline.
Comment: This sequence change replaces threonine, which is neutral and polar, with methionine, which is neutral and non-polar, at codon 3016 of the ZNF469 protein (p.Thr3016Met). This variant is present in population databases (rs273585626, gnomAD 0.01%). This missense change has been observed in individual(s) with clinical features of ZNF469-related conditions (PMID: 24895405). ClinVar contains an entry for this variant (Variation ID: 126933). An algorithm developed to predict the effect of missense changes on protein structure and function (PolyPhen-2) suggests that this variant is likely to be tolerated. In summary, the available evidence is currently insufficient to determine the role of this variant in disease. Therefore, it has been classified as a Variant of Uncertain Significance.

Women's Health and Genetics/Laboratory Corporation of America, LabCorp
Classification: Uncertain significance. Last evaluated: 2025-11-17. Review status: criteria provided, single submitter. Criteria: LabCorp Variant Classification Summary - May 2015. Collection method: clinical testing. Allele origin: germline.
Comment: Variant summary: ZNF469 c.9131C>T (p.Thr3044Met) results in a non-conservative amino acid change in the encoded protein sequence. Algorithms developed to predict the effect of missense changes on protein structure and function are either unavailable or do not agree on the potential impact of this missense change. The variant allele was found at a frequency of 3.9e-05 in 152840 control chromosomes. The available data on variant occurrences in the general population are insufficient to allow any conclusion about variant significance. c.9131C>T has been observed in an individual affected with Keratoconus (Lechner_2014). These report(s) do not provide unequivocal conclusions about association of the variant with Brittle cornea syndrome 1. To our knowledge, no experimental evidence demonstrating an impact on protein function has been reported. The following publication have been ascertained in the context of this evaluation (PMID: 24895405). ClinVar contains an entry for this variant (Variation ID: 126933). Based on the evidence outlined above, the variant was classified as uncertain significance.

GeneDx
Classification: Uncertain significance. Last evaluated: 2024-06-20. Review status: criteria provided, single submitter. Criteria: GeneDx Variant Classification Process June 2021. Collection method: clinical testing. Allele origin: germline. Affected: yes.
Comment: Not observed at significant frequency in large population cohorts (gnomAD); In silico analysis indicates that this missense variant does not alter protein structure/function; Identified in a patient with keratoconus in the published literature (PMID: 24895405); This variant is associated with the following publications: (PMID: 24895405)

Fulgent Genetics
Classification: Uncertain significance for Brittle cornea syndrome 1. Last evaluated: 2022-03-04. Review status: criteria provided, single submitter. Criteria: ACMG Guidelines, 2015. Collection method: clinical testing. Allele origin: unknown.

Ambry Genetics
Classification: Uncertain significance for Cardiovascular phenotype. Last evaluated: 2019-08-13. Review status: criteria provided, single submitter. Criteria: Ambry Variant Classification Scheme 2023. Collection method: clinical testing. Allele origin: germline.
Comment: The p.T3016M variant (also known as c.9047C>T), located in coding exon 2 of the ZNF469 gene, results from a C to T substitution at nucleotide position 9047. The threonine at codon 3016 is replaced by methionine, an amino acid with similar properties. This variant was identified in an individual with keratoconus (Lechner J et al. Hum. Mol. Genet., 2014 Oct;23:5527-35). This amino acid position is poorly conserved in available vertebrate species. In addition, this alteration is predicted to be tolerated by in silico analysis. Since supporting evidence is limited at this time, the clinical significance of this alteration remains unclear.

Eurofins Ntd Llc (ga)
Classification: Uncertain significance. Last evaluated: 2016-09-06. Review status: criteria provided, single submitter. Criteria: EGL Classification Definitions 2015. Collection method: clinical testing. Allele origin: germline. Observed: 3 variant alleles, 3 heterozygotes.

Willoughby Group, Queen's University Belfast
Classification: Pathogenic for Keratoconus 1. Review status: no assertion criteria provided. Collection method: not provided. Allele origin: germline. Not counted in ClinVar's aggregate classification.
ClinVar note: Converted during submission from pathogenic to Pathogenic.

Literature cited by the submitters: PubMed 24895405 (cited by 3 submitters).